The following is an entry in ClinVar:

NM_175914.5(HNF4A):c.126G>C (p.Gly42=)

Gene: HNF4A (hepatocyte nuclear factor 4 alpha; plus strand). Cytogenetic location: 20q13.12.
Variant type: single nucleotide variant.
Coding change: c.126G>C on transcript NM_175914.5 (MANE Select); coding-DNA position 126, G replaced by C.
Protein change: p.Gly42=; no amino-acid change (glycine 42 retained).
Molecular consequence: synonymous variant.
Genome position (GRCh38, 1-based): chr20:44,406,134, G>C. VCF-style: chr20-44406134-G-C. GRCh37 (hg19) VCF-style: chr20-43034774-G-C.
Other names: c.192G>C, p.Gly64= (NM_000457.6, NM_178849.3, NM_178850.3); c.126G>C, p.Gly42= (NM_001030003.3, NM_001030004.3); c.171G>C, p.Gly57= (NM_001258355.2); c.117G>C, p.Gly39= (NM_001287182.2, NM_001287183.2, NM_001287184.2).
Identifiers: ClinVar variation 797392 (VCV000797392.6), dbSNP rs781364773, ClinGen allele CA9870172.

ClinVar aggregate classification (germline): Likely benign. Review status: criteria provided, multiple submitters, no conflicts (2 of 4 stars). 2 submissions from 2 submitters: Likely benign (2). Last evaluated 2025-02-02.

Conditions:
Maturity-onset diabetes of the young (MODY). Also called: Maturity onset diabetes mellitus in young. Identifiers: Orphanet 552, MedGen C0342276, MONDO:0018911, HP:0004904.

Allele frequency attached by ClinVar (database versions not stated): TOPMed below 0.00001; ExAC 0.00001; gnomAD 0.00001; gnomAD exomes 0.00001.
gnomAD v4.1: 31 of 1,613,748 alleles (0.0019%); highest among the groups gnomAD compares: Non-Finnish European, 0.0024%; no homozygotes.

Submissions (2):

Labcorp Genetics (formerly Invitae), Labcorp
Classification: Likely benign. Last evaluated: 2025-02-02. Review status: criteria provided, single submitter. Criteria: Invitae Variant Classification Sherloc (09022015). Collection method: clinical testing. Allele origin: germline.

Clinical Genomics, Uppaluri K&H Personalized Medicine Clinic
Classification: Likely benign for Maturity-onset diabetes of the young. Review status: criteria provided, single submitter. Criteria: K & H Uppaluri Personalized Medicine Clinic Variant Classification & Assertion Criteria_Updated V.1. Collection method: research. Allele origin: unknown. Inheritance: Autosomal dominant inheritance.
Comment: Potent mutations in HNF4A are associated with poor insulin secretion in response to hyperglycemia. Associated with MODY1. Patients initially respond well to sulfonylureas but eventually become insulin dependent. However, more evidence is required to ascertain the role of this particular variant rs781364773 in MODY, yet.

Literature cited by the submitters: DOI 10.1159/000334532 (cited by Clinical Genomics, Uppaluri K&H Personalized Medicine Clinic); PubMed 18268044 (cited by Clinical Genomics, Uppaluri K&H Personalized Medicine Clinic); PubMed 17563455 (cited by Clinical Genomics, Uppaluri K&H Personalized Medicine Clinic); PubMed 32583173 (cited by Clinical Genomics, Uppaluri K&H Personalized Medicine Clinic); PubMed 35052457 (cited by Clinical Genomics, Uppaluri K&H Personalized Medicine Clinic); PubMed 35118593 (cited by Clinical Genomics, Uppaluri K&H Personalized Medicine Clinic).